The following is an entry in ClinVar:

ClinVar aggregate classification (germline): Pathogenic/Likely pathogenic. Review status: criteria provided, multiple submitters, no conflicts (2 of 4 stars). 2 submissions from 2 submitters: Pathogenic (1); Likely pathogenic (1). Last evaluated 2023-01-13.

Conditions:
Primary hyperoxaluria type 3. Also called: PH III. Identifiers: Orphanet 416, Orphanet 93600, MedGen C3150878, MONDO:0013327, OMIM 613616. Disease mechanism: loss of function.

Allele frequency attached by ClinVar (database versions not stated): TOPMed 0.00002.

Submissions (2):

Labcorp Genetics (formerly Invitae), Labcorp
Classification: Pathogenic. Last evaluated: 2023-01-13. Review status: criteria provided, single submitter. Criteria: Invitae Variant Classification Sherloc (09022015). Collection method: clinical testing. Allele origin: germline.
Comment: Disruption of this splice site has been observed in individual(s) with hyperoxaluria (PMID: 25972204). In at least one individual the data is consistent with being in trans (on the opposite chromosome) from a pathogenic variant. It has also been observed to segregate with disease in related individuals. ClinVar contains an entry for this variant (Variation ID: 1411084). Variants that disrupt the consensus splice site are a relatively common cause of aberrant splicing (PMID: 17576681, 9536098). Algorithms developed to predict the effect of sequence changes on RNA splicing suggest that this variant may disrupt the consensus splice site. For these reasons, this variant has been classified as Pathogenic. This variant is not present in population databases (gnomAD no frequency). This sequence change affects a donor splice site in intron 6 of the HOGA1 gene. While this variant is not anticipated to result in nonsense mediated decay, it likely alters RNA splicing and results in a disrupted protein product.

Fulgent Genetics
Classification: Likely pathogenic for Primary hyperoxaluria type 3. Last evaluated: 2021-10-22. Review status: criteria provided, single submitter. Criteria: ACMG Guidelines, 2015. Collection method: clinical testing. Allele origin: unknown.

Literature cited by the submitters: PubMed 25972204 (cited by Labcorp Genetics (formerly Invitae), Labcorp); PubMed 17576681 (cited by Labcorp Genetics (formerly Invitae), Labcorp); PubMed 9536098 (cited by Labcorp Genetics (formerly Invitae), Labcorp).

NM_138413.4(HOGA1):c.834+2T>C

Gene: HOGA1 (4-hydroxy-2-oxoglutarate aldolase 1; plus strand). Cytogenetic location: 10q24.2.
Variant type: single nucleotide variant.
Coding change: c.834+2T>C on transcript NM_138413.4 (MANE Select); the canonical splice donor site of the intron after coding-DNA position 834, T replaced by C.
Molecular consequence: splice donor variant.
Genome position (GRCh38, 1-based): chr10:97,601,992, T>C. VCF-style: chr10-97601992-T-C. GRCh37 (hg19) VCF-style: chr10-99361749-T-C.
Other names: c.345+2T>C (NM_001134670.2).
Identifiers: ClinVar variation 1411084 (VCV001411084.7), dbSNP rs947352856, ClinGen allele CA212675402.